The following is an entry in ClinVar:

ClinVar aggregate classification (germline): Uncertain significance (1 of 4 stars; one submission).

Conditions:
Catecholaminergic polymorphic ventricular tachycardia (CVPT). Also called: Catecholamine-induced polymorphic ventricular tachycardia. Identifiers: Orphanet 3286, MedGen C5574922, MONDO:0017990.

Submission:

All of Us Research Program, National Institutes of Health
Classification: Uncertain significance for Catecholaminergic polymorphic ventricular tachycardia. Last evaluated: 2024-03-05. Review status: criteria provided, single submitter. Criteria: ACMG Guidelines, 2015. Collection method: clinical testing. Allele origin: germline. Inheritance: Autosomal dominant inheritance. Observed: 1 variant allele, 1 heterozygote.
Comment: This study involves interpretation of variants in research participants for the purpose of population health screening. Participant phenotype was not available at the time of variant classification. Additional details can be found in publication PMID: 35346344, PMCID: PMC8962531

NM_001035.3(RYR2):c.5972A>C (p.Glu1991Ala)

Gene: RYR2 (ryanodine receptor 2; plus strand). Cytogenetic location: 1q43.
Variant type: single nucleotide variant.
Coding change: c.5972A>C on transcript NM_001035.3 (MANE Select); coding-DNA position 5972, A replaced by C.
Protein change: p.Glu1991Ala; replaces glutamic acid 1991 with alanine.
Molecular consequence: missense variant.
Genome position (GRCh38, 1-based): chr1:237,623,820, A>C. VCF-style: chr1-237623820-A-C. GRCh37 (hg19) VCF-style: chr1-237787120-A-C.
Other names: short protein forms E1991A.
Identifiers: ClinVar variation 3385752 (VCV003385752.1).